The following is an entry in ClinVar:

NM_004304.5(ALK):c.4852C>A (p.Pro1618Thr)

Gene: ALK (ALK receptor tyrosine kinase; minus strand). Cytogenetic location: 2p23.2.
Variant type: single nucleotide variant.
Coding change: c.4852C>A on transcript NM_004304.5 (MANE Select); coding-DNA position 4852, C replaced by A.
Protein change: p.Pro1618Thr; replaces proline 1618 with threonine.
Molecular consequence: missense variant.
Genome position (GRCh38, 1-based): chr2:29,193,235, G>T on the plus strand (C>A on the coding strand, the complement: ALK is on the minus strand). VCF-style: chr2-29193235-G-T. GRCh37 (hg19) VCF-style: chr2-29416101-G-T.
Other names: c.1648C>A, p.Pro550Thr (NM_001353765.2); short protein forms P1618T, P550T.
Identifiers: ClinVar variation 3285929 (VCV003285929.1).

ClinVar aggregate classification (germline): Uncertain significance (1 of 4 stars; one submission).

Conditions:
Hereditary cancer-predisposing syndrome. Also called: Tumor predisposition; Hereditary Cancer Syndrome; Hereditary neoplastic syndrome; Neoplastic Syndromes, Hereditary. Identifiers: Orphanet 140162, MedGen C0027672, MeSH D009386, MONDO:0015356.

Submission:

Ambry Genetics
Classification: Uncertain significance for Hereditary cancer-predisposing syndrome. Last evaluated: 2024-04-16. Review status: criteria provided, single submitter. Criteria: Ambry Variant Classification Scheme 2023. Collection method: clinical testing. Allele origin: germline.
Comment: The p.P1618T variant (also known as c.4852C>A), located in coding exon 29 of the ALK gene, results from a C to A substitution at nucleotide position 4852. The proline at codon 1618 is replaced by threonine, an amino acid with highly similar properties. This amino acid position is conserved. In addition, this alteration is predicted to be tolerated by in silico analysis. Based on the available evidence, the clinical significance of this variant remains unclear.